The following is an entry in ClinVar:

NM_001287.6(CLCN7):c.2413_2414insGG (p.Thr805fs)

Gene: CLCN7 (Cl-/H+ antiporter 7; minus strand). Cytogenetic location: 16p13.3.
Variant type: Insertion.
Coding change: c.2413_2414insGG on transcript NM_001287.6 (MANE Select); coding-DNA positions 2413 to 2414, GG inserted.
Protein change: p.Thr805fs; shifts the reading frame from threonine 805.
Molecular consequence: frameshift variant.
Genome position: GRCh38 VCF-style: chr16-1446635-G-GCC. GRCh37 (hg19) VCF-style: chr16-1496636-G-GCC.
Other names: c.2341_2342insGG, p.Thr781fs (NM_001114331.3); short protein forms T781fs, T805fs.
Identifiers: ClinVar variation 4883928 (VCV004883928.2).

ClinVar aggregate classification (germline): Uncertain significance (1 of 4 stars; one submission).

Conditions:
Autosomal dominant osteopetrosis 2. Also called: ALBERS-SCHONBERG DISEASE, AUTOSOMAL DOMINANT; MARBLE BONES, AUTOSOMAL DOMINANT; OSTEOSCLEROSIS FRAGILIS GENERALISATA; Osteopetroses; Marble bones; Albers-Schonberg disease. Identifiers: Orphanet 53, MedGen C3179239, MONDO:0008156, OMIM 166600.

Submission:

Dasa
Classification: Uncertain significance for Autosomal dominant osteopetrosis 2. Last evaluated: 2026-03-11. Review status: criteria provided, single submitter. Criteria: DASA Assertion Criteria. Collection method: clinical testing. Allele origin: germline.
Comment: NM_001287.6(CLCN7):c.2413_2414insGG (p.Thr805Argfs*9) is a frameshift variant in CLCN7 predicted to alter the reading frame and introduce a premature termination codon and is predicted to result in an absent or altered protein product. This variant is rare in population databases. The currently available literature and clinical evidence are not sufficient to establish a definitive association between this variant and the reported condition. Therefore, this variant is classified as a variant of uncertain significance.